The following is an entry in ClinVar:

ClinVar aggregate classification (germline): Benign/Likely benign. Review status: criteria provided, multiple submitters, no conflicts (2 of 4 stars). 7 submissions from 7 submitters: Benign (2); Likely benign (4). 1 of the submissions does not count toward it. Last evaluated 2025-12-22.

Conditions:
TJP2-related disorder. Also called: TJP2-related condition.

Allele frequency attached by ClinVar (database versions not stated): gnomAD exomes 0.00016 and 0.00038; ExAC 0.00052; 1000 Genomes Project 0.00080; 1000 Genomes Project 30x 0.00094; TOPMed 0.00162; gnomAD 0.00169 and 0.00180; ESP Exome Variant Server 0.00223.
gnomAD v4.1: 499 of 1,610,234 alleles (0.031%); highest among the groups gnomAD compares: African/African-American, 0.57%; 2 homozygotes.

Submissions (7):

Labcorp Genetics (formerly Invitae), Labcorp
Classification: Benign. Last evaluated: 2025-12-22. Review status: criteria provided, single submitter. Criteria: Invitae Variant Classification Sherloc (09022015). Collection method: clinical testing. Allele origin: germline.

Mayo Clinic Laboratories, Mayo Clinic
Classification: Likely benign. Last evaluated: 2025-09-25. Review status: criteria provided, single submitter. Criteria: ACMG Guidelines, 2015. Collection method: clinical testing. Allele origin: germline. Observed: 3 variant alleles.
Comment: BP4, BP7

GeneDx
Classification: Likely benign. Last evaluated: 2021-11-02. Review status: criteria provided, single submitter. Criteria: GeneDx Variant Classification Process June 2021. Collection method: clinical testing. Allele origin: germline. Affected: yes.

Eurofins Ntd Llc (ga)
Classification: Likely benign. Last evaluated: 2017-03-13. Review status: criteria provided, single submitter. Criteria: EGL Classification Definitions 2015. Collection method: clinical testing. Allele origin: germline. Observed: 1 variant allele, 1 heterozygote.

Laboratory for Molecular Medicine, Mass General Brigham Personalized Medicine
Classification: Benign. Last evaluated: 2013-11-19. Review status: criteria provided, single submitter. Criteria: LMM Criteria. Collection method: clinical testing. Allele origin: germline. Observed: 1 variant allele.
Comment: Pro897Pro in Exon 19E of TJP2: This variant is not expected to have clinical sig nificance because it does not alter an amino acid residue, is not located within the splice consensus sequence, and has been identified in 0.7% (29/4406) of Afr ican American chromosomes from a broad population by the NHLBI Exome Sequencing Project (dbSNP rs149969431).

Breakthrough Genomics
Classification: Likely benign. Review status: criteria provided, single submitter. Criteria: ACMG Guidelines, 2015. Collection method: not provided. Allele origin: germline. Inheritance: Autosomal recessive inheritance. Affected: yes.

PreventionGenetics, part of Exact Sciences
Classification: Likely benign for TJP2-related condition. Last evaluated: 2020-02-13. Review status: no assertion criteria provided. Collection method: clinical testing. Allele origin: germline. Not counted in ClinVar's aggregate classification.
Comment: This variant is classified as likely benign based on ACMG/AMP sequence variant interpretation guidelines (Richards et al. 2015 PMID: 25741868, with internal and published modifications).

NM_004817.4(TJP2):c.2691C>T (p.Pro897=)

Gene: TJP2 (tight junction protein 2; plus strand). Cytogenetic location: 9q21.11.
Variant type: single nucleotide variant.
Coding change: c.2691C>T on transcript NM_004817.4 (MANE Select); coding-DNA position 2691, C replaced by T.
Protein change: p.Pro897=; no amino-acid change (proline 897 retained).
Molecular consequence: synonymous variant. On other transcripts: intron variant (1).
Genome position (GRCh38, 1-based): chr9:69,248,035, C>T. VCF-style: chr9-69248035-C-T. GRCh37 (hg19) VCF-style: chr9-71862951-C-T.
Other names: p.Pro897=; c.2622C>T, p.Pro874= (NM_001170414.2, NM_001369871.1); c.2703C>T, p.Pro901= (NM_001170415.1, NM_001369874.1, NM_001369875.1); c.2784C>T, p.Pro928= (NM_001170416.2); c.2616C>T, p.Pro872= (NM_001369870.1); c.2691C>T, p.Pro897= (NM_001369872.1, NM_201629.3); c.2667+1245C>T (NM_001369873.1).
Identifiers: ClinVar variation 178679 (VCV000178679.24), dbSNP rs149969431, ClinGen allele CA182768.
Genomic context (GRCh38, chr9:69,248,035, plus strand): 5'-TCAGACCCCACTGACCGTCCAACACAAATTCCTCTAGATGGAAGGGATGGATGATGACCC[C>T]GAAGACCGCATGTCCTACTTAACCGCCATGGGCGCGGACTATCTGAGTTGCGACAGCCGC-3'
Protein context (NP_004808.2, residues 887-907): EGKMEGMDDD[Pro897=]EDRMSYLTAM